The following is an entry in ClinVar:

ClinVar aggregate classification (germline): Uncertain significance/Uncertain risk allele. Review status: criteria provided, multiple submitters, no conflicts (2 of 4 stars). 3 submissions from 3 submitters: Uncertain significance (2); Uncertain risk allele (1). Last evaluated 2024-12-12.

Conditions:
WFS1-related disorder. Identifiers: MedGen CN379391, MONDO:0700293.
Wolfram syndrome 1 (WFS1). Identifiers: Orphanet 3463, MedGen C4551693, MONDO:0009101, OMIM 222300.

Allele frequency attached by ClinVar (database versions not stated): gnomAD exomes below 0.00001; gnomAD 0.00001; TOPMed 0.00001.
gnomAD v4.1: 4 of 1,609,796 alleles (0.00025%); highest among the groups gnomAD compares: African/African-American, 0.0013%; no homozygotes.

Submissions (3):

PreventionGenetics, part of Exact Sciences
Classification: Uncertain significance for WFS1-related condition. Last evaluated: 2024-12-12. Review status: criteria provided, single submitter. Criteria: ACMG Guidelines, 2015. Collection method: clinical testing. Allele origin: germline.
Comment: The WFS1 c.634G>A variant is predicted to result in the amino acid substitution p.Gly212Arg. To our knowledge, this variant has not been reported in the literature. This variant is reported in 0.00092% of alleles in individuals of European (non-Finnish) descent in gnomAD. At this time, the clinical significance of this variant is uncertain due to the absence of conclusive functional and genetic evidence.

Eurofins Ntd Llc (ga)
Classification: Uncertain significance. Last evaluated: 2017-02-06. Review status: criteria provided, single submitter. Criteria: EGL Classification Definitions 2015. Collection method: clinical testing. Allele origin: germline. Observed: 1 variant allele, 1 heterozygote.

Clinical Genomics, Uppaluri K&H Personalized Medicine Clinic
Classification: Uncertain risk allele for Wolfram syndrome 1. Review status: criteria provided, single submitter. Criteria: K & H Uppaluri Personalized Medicine Clinic Variant Classification & Assertion Criteria_Updated V.1. Collection method: research. Allele origin: unknown. Inheritance: Autosomal recessive inheritance.
Comment: Potent mutations in WFS1 gene are associated with Wolfram's syndrome, an autosomal recessive condition, which cause diabetes mellitus, diabetes insipidus, deafness and optic atrophy. However no sufficient evidence is found to ascertain the role of this particular variant rs1216952842 in Wolfram's syndrome yet.

Literature cited by the submitters: PubMed 20738327 (cited by Clinical Genomics, Uppaluri K&H Personalized Medicine Clinic); PubMed 33879153 (cited by Clinical Genomics, Uppaluri K&H Personalized Medicine Clinic); PubMed 12955714 (cited by Clinical Genomics, Uppaluri K&H Personalized Medicine Clinic); PubMed 18060660 (cited by Clinical Genomics, Uppaluri K&H Personalized Medicine Clinic); PubMed 20301750 (cited by Clinical Genomics, Uppaluri K&H Personalized Medicine Clinic); PubMed 17603484 (cited by Clinical Genomics, Uppaluri K&H Personalized Medicine Clinic).

NM_006005.3(WFS1):c.634G>A (p.Gly212Arg)

Gene: WFS1 (wolframin ER transmembrane glycoprotein; plus strand). Cytogenetic location: 4p16.1.
Variant type: single nucleotide variant.
Coding change: c.634G>A on transcript NM_006005.3 (MANE Select); coding-DNA position 634, G replaced by A.
Protein change: p.Gly212Arg; replaces glycine 212 with arginine.
Molecular consequence: missense variant.
Genome position (GRCh38, 1-based): chr4:6,291,919, G>A. VCF-style: chr4-6291919-G-A. GRCh37 (hg19) VCF-style: chr4-6293646-G-A.
Other names: c.634G>A, p.Gly212Arg (NM_001145853.1); short protein forms G212R.
Identifiers: ClinVar variation 499948 (VCV000499948.8), dbSNP rs1216952842, ClinGen allele CA356172205.